The following is an entry in ClinVar:

NM_000094.4(COL7A1):c.5924_5927del (p.Glu1975fs)

Gene: COL7A1 (collagen type VII alpha 1 chain; minus strand). Cytogenetic location: 3p21.31.
Variant type: Deletion.
Coding change: c.5924_5927del on transcript NM_000094.4 (MANE Select); coding-DNA positions 5924 to 5927, 4 bases deleted (AACG; older notation c.5924_5927delAACG).
Protein change: p.Glu1975fs; shifts the reading frame from glutamic acid 1975.
Molecular consequence: frameshift variant.
Genome position (GRCh38, 1-based): chr3:48,575,678-48,575,681, CGTT deleted on the plus strand (AACG on the coding strand, the reverse complement: COL7A1 is on the minus strand); deleting any 4 consecutive bases within chr3:48,575,678-48,575,683 gives the same sequence; the c. name uses the placement nearest the transcript's 3' end. VCF-style (leftmost placement, unchanged base first): chr3-48575677-CCGTT-C. GRCh37 (hg19) VCF-style: chr3-48613110-CCGTT-C.
Other names: c.5924_5927delAACG (NM_000094.3); short protein forms E1975fs.
Identifiers: ClinVar variation 424627 (VCV000424627.7), dbSNP rs1064797080, ClinGen allele CA16621528.

ClinVar aggregate classification (germline): Conflicting classifications of pathogenicity. Review status: criteria provided, conflicting classifications (1 of 4 stars). 3 submissions from 3 submitters: Pathogenic (1); Uncertain significance (1). 1 of the submissions does not count toward it. Last evaluated 2024-03-25.

Conditions:
Recessive dystrophic epidermolysis bullosa (RDEB). Also called: DYSTROPHIC EPIDERMOLYSIS BULLOSA, AUTOSOMAL RECESSIVE; EPIDERMOLYSIS BULLOSA DYSTROPHICA, HALLOPEAU-SIEMENS TYPE; epidermolysis bullosa dystrophica, autosomal recessive; severe generalized recessive dystrophic epidermolysis bullosa; Recessive DEB (RDEB); EPIDERMOLYSIS BULLOSA DYSTROPHICA, GENERALIZED SEVERE, AUTOSOMAL RECESSIVE. Identifiers: Orphanet 79408, Orphanet 79409, MedGen C0079474, MONDO:0009179, OMIM 226600.

Submissions (3):

Genomic Medicine Center of Excellence, King Faisal Specialist Hospital and Research Centre
Classification: Uncertain significance for Recessive dystrophic epidermolysis bullosa. Last evaluated: 2024-03-25. Review status: criteria provided, single submitter. Criteria: ACMG Guidelines, 2015. Collection method: research. Allele origin: germline.

Labcorp Genetics (formerly Invitae), Labcorp
Classification: Pathogenic. Last evaluated: 2022-12-16. Review status: criteria provided, single submitter. Criteria: Invitae Variant Classification Sherloc (09022015). Collection method: clinical testing. Allele origin: germline.
Comment: For these reasons, this variant has been classified as Pathogenic. ClinVar contains an entry for this variant (Variation ID: 424627). This premature translational stop signal has been observed in individual(s) with dystrophic epidermolysis bullosa (PMID: 29531004). This variant is not present in population databases (gnomAD no frequency). This sequence change creates a premature translational stop signal (p.Glu1975Glyfs*29) in the COL7A1 gene. It is expected to result in an absent or disrupted protein product. Loss-of-function variants in COL7A1 are known to be pathogenic (PMID: 16971478).

Gansu Province Medical Genetics Center
Classification: Pathogenic for Recessive dystrophic epidermolysis bullosa. Review status: no assertion criteria provided. Collection method: clinical testing. Allele origin: paternal. Affected: yes. Not counted in ClinVar's aggregate classification.

Literature cited by the submitters: PubMed 29531004 (cited by Labcorp Genetics (formerly Invitae), Labcorp); PubMed 16971478 (cited by Labcorp Genetics (formerly Invitae), Labcorp).